The following is an entry in ClinVar:

NM_001161352.2(KCNMA1):c.378+4A>T

Gene: KCNMA1 (potassium calcium-activated channel subfamily M alpha 1; minus strand). Cytogenetic location: 10q22.3.
Variant type: single nucleotide variant.
Coding change: c.378+4A>T on transcript NM_001161352.2 (MANE Select); 4 bases into the intron after coding-DNA position 378, A replaced by T.
Molecular consequence: intron variant.
Genome position (GRCh38, 1-based): chr10:77,637,261, T>A on the plus strand (A>T on the coding strand, the complement: KCNMA1 is on the minus strand). VCF-style: chr10-77637261-T-A. GRCh37 (hg19) VCF-style: chr10-79397019-T-A.
Other names: c.378+4A>T (NM_001271518.2, NM_001322832.2, NM_001410940.1 and 13 more transcripts).
Identifiers: ClinVar variation 2788541 (VCV002788541.3), dbSNP rs2093863923, ClinGen allele CA2722091748.

ClinVar aggregate classification (germline): Uncertain significance (1 of 4 stars; one submission).

Conditions:
Generalized epilepsy-paroxysmal dyskinesia syndrome (PNKD3). Also called: Generalized epilepsy and paroxysmal dyskinesia; Paroxysmal nonkinesigenic dyskinesia, 3, with or without generalized epilepsy. Identifiers: Orphanet 79137, MedGen C5574945, MONDO:0012276, OMIM 609446.

Allele frequency attached by ClinVar (database versions not stated): TOPMed below 0.00001.

Submission:

Labcorp Genetics (formerly Invitae), Labcorp
Classification: Uncertain significance for Generalized epilepsy-paroxysmal dyskinesia syndrome. Last evaluated: 2022-11-06. Review status: criteria provided, single submitter. Criteria: Invitae Variant Classification Sherloc (09022015). Collection method: clinical testing. Allele origin: germline.
Comment: Variants that disrupt the consensus splice site are a relatively common cause of aberrant splicing (PMID: 17576681, 9536098). Algorithms developed to predict the effect of sequence changes on RNA splicing suggest that this variant is not likely to affect RNA splicing. In summary, the available evidence is currently insufficient to determine the role of this variant in disease. Therefore, it has been classified as a Variant of Uncertain Significance. This sequence change falls in intron 1 of the KCNMA1 gene. It does not directly change the encoded amino acid sequence of the KCNMA1 protein. It affects a nucleotide within the consensus splice site. This variant is not present in population databases (gnomAD no frequency). This variant has not been reported in the literature in individuals affected with KCNMA1-related conditions.

Literature cited by the submitters: PubMed 17576681; PubMed 9536098.